The following is an entry in ClinVar:

NM_001035.3(RYR2):c.2203+1G>T

Gene: RYR2 (ryanodine receptor 2; plus strand). Cytogenetic location: 1q43.
Variant type: single nucleotide variant.
Coding change: c.2203+1G>T on transcript NM_001035.3 (MANE Select); the canonical splice donor site of the intron after coding-DNA position 2203, G replaced by T.
Molecular consequence: splice donor variant.
Genome position (GRCh38, 1-based): chr1:237,496,753, G>T. VCF-style: chr1-237496753-G-T. GRCh37 (hg19) VCF-style: chr1-237660053-G-T.
Identifiers: ClinVar variation 3073990 (VCV003073990.1), dbSNP rs2545837323, ClinGen allele CA345392545.
Genomic context (GRCh38, chr1:237,496,753, plus strand): 5'-GAAATGGTGTTGGAGATGATCTCTTCTCCTATGGATTTGATGGCCTTCATCTCTGGTCAG[G>T]TACGTACTATCCATTTTCTTTCACCGTGTTCCAGAAGATCTTTTGCTGGGCATTTCTGAA-3'

ClinVar aggregate classification (germline): Uncertain significance (1 of 4 stars; one submission).

Conditions:
Catecholaminergic polymorphic ventricular tachycardia (CVPT). Also called: Catecholamine-induced polymorphic ventricular tachycardia. Identifiers: Orphanet 3286, MedGen C5574922, MONDO:0017990.

Submission:

All of Us Research Program, National Institutes of Health
Classification: Uncertain significance for Catecholaminergic polymorphic ventricular tachycardia. Last evaluated: 2023-11-30. Review status: criteria provided, single submitter. Criteria: ACMG Guidelines, 2015. Collection method: clinical testing. Allele origin: germline. Inheritance: Autosomal dominant inheritance. Observed: 1 variant allele, 1 heterozygote.
Comment: This study involves interpretation of variants in research participants for the purpose of population health screening. Participant phenotype was not available at the time of variant classification. Additional details can be found in publication PMID: 35346344, PMCID: PMC8962531